The following is an entry in ClinVar:

ClinVar aggregate classification (germline): Uncertain significance (1 of 4 stars; one submission).

Submission:

Labcorp Genetics (formerly Invitae), Labcorp
Classification: Uncertain significance. Last evaluated: 2023-11-16. Review status: criteria provided, single submitter. Criteria: Invitae Variant Classification Sherloc (09022015). Collection method: clinical testing. Allele origin: germline.
Comment: This sequence change replaces proline, which is neutral and non-polar, with serine, which is neutral and polar, at codon 12 of the ATP1A1 protein (p.Pro12Ser). This variant is not present in population databases (gnomAD no frequency). This variant has not been reported in the literature in individuals affected with ATP1A1-related conditions. Advanced modeling of protein sequence and biophysical properties (such as structural, functional, and spatial information, amino acid conservation, physicochemical variation, residue mobility, and thermodynamic stability) performed at Invitae indicates that this missense variant is not expected to disrupt ATP1A1 protein function with a negative predictive value of 95%. In summary, the available evidence is currently insufficient to determine the role of this variant in disease. Therefore, it has been classified as a Variant of Uncertain Significance.

NM_000701.8(ATP1A1):c.34C>T (p.Pro12Ser)

Gene: ATP1A1 (ATPase Na+/K+ transporting subunit alpha 1; plus strand). Cytogenetic location: 1p13.1.
Variant type: single nucleotide variant.
Coding change: c.34C>T on transcript NM_000701.8 (MANE Select); coding-DNA position 34, C replaced by T.
Protein change: p.Pro12Ser; replaces proline 12 with serine.
Molecular consequence: missense variant. On other transcripts: 5 prime UTR variant (1).
Genome position (GRCh38, 1-based): chr1:116,384,035, C>T. VCF-style: chr1-116384035-C-T. GRCh37 (hg19) VCF-style: chr1-116926657-C-T.
Other names: c.34C>T, p.Pro12Ser (NM_001160233.2); c.-60C>T (NM_001160234.2); short protein forms P12S.
Identifiers: ClinVar variation 2855197 (VCV002855197.3), dbSNP rs2525807316, ClinGen allele CA341840205.